The following is an entry in ClinVar:

ClinVar aggregate classification (germline): Uncertain significance (1 of 4 stars; one submission).

Conditions:
Familial thoracic aortic aneurysm and aortic dissection (TAAD). Also called: Thoracic aortic aneurysms and dissections. Identifiers: Orphanet 91387, MedGen C4707243, MONDO:0019625.

Submission:

Color Diagnostics, LLC DBA Color Health
Classification: Uncertain significance for Familial thoracic aortic aneurysm and aortic dissection. Last evaluated: 2023-12-05. Review status: criteria provided, single submitter. Criteria: ACMG Guidelines, 2015. Collection method: clinical testing. Allele origin: germline.
Comment: Variant of Uncertain Significance due to insufficient evidence: This missense variant replaces proline with serine at codon 619 of the COL3A1 protein. Computational prediction tools and conservation analyses suggest that this variant may have deleterious impact on the protein function. Computational splicing tools suggest that this variant may not impact RNA splicing. To our knowledge, functional assays have not been performed for this variant nor has this variant been reported in individuals affected with cardiovascular disorders in the literature. This variant has not been identified in the general population by the Genome Aggregation Database (gnomAD). Available evidence is insufficient to determine the role of this variant in disease conclusively.

NM_000090.4(COL3A1):c.1855C>T (p.Pro619Ser)

Gene: COL3A1 (collagen type III alpha 1 chain; plus strand). Cytogenetic location: 2q32.2.
Variant type: single nucleotide variant.
Coding change: c.1855C>T on transcript NM_000090.4 (MANE Select); coding-DNA position 1855, C replaced by T.
Protein change: p.Pro619Ser; replaces proline 619 with serine.
Molecular consequence: missense variant.
Genome position (GRCh38, 1-based): chr2:188,997,375, C>T. VCF-style: chr2-188997375-C-T. GRCh37 (hg19) VCF-style: chr2-189862101-C-T.
Other names: short protein forms P619S.
Identifiers: ClinVar variation 928388 (VCV000928388.5), dbSNP rs780889214, ClinGen allele CA349853519.